The following is an entry in ClinVar:

ClinVar aggregate classification (germline): Uncertain significance (1 of 4 stars; one submission).

Conditions:
Hereditary nonpolyposis colorectal neoplasms. Identifiers: MedGen C0009405, MeSH D003123.

Submission:

Labcorp Genetics (formerly Invitae), Labcorp
Classification: Uncertain significance for Hereditary nonpolyposis colorectal neoplasms. Last evaluated: 2022-12-22. Review status: criteria provided, single submitter. Criteria: Invitae Variant Classification Sherloc (09022015). Collection method: clinical testing. Allele origin: germline.
Comment: Variants that disrupt the consensus splice site are a relatively common cause of aberrant splicing (PMID: 17576681, 9536098). Algorithms developed to predict the effect of sequence changes on RNA splicing suggest that this variant may disrupt the consensus splice site. In summary, the available evidence is currently insufficient to determine the role of this variant in disease. Therefore, it has been classified as a Variant of Uncertain Significance. Algorithms developed to predict the effect of missense changes on protein structure and function are either unavailable or do not agree on the potential impact of this missense change (SIFT: "Deleterious"; PolyPhen-2: "Probably Damaging"; Align-GVGD: "Class C0"). ClinVar contains an entry for this variant (Variation ID: 946606). This variant has not been reported in the literature in individuals affected with PMS2-related conditions. This variant is not present in population databases (gnomAD no frequency). This sequence change replaces serine, which is neutral and polar, with threonine, which is neutral and polar, at codon 669 of the PMS2 protein (p.Ser669Thr). This variant also falls at the last nucleotide of exon 11, which is part of the consensus splice site for this exon.

Literature cited by the submitters: PubMed 17576681; PubMed 9536098.

NM_000535.7(PMS2):c.2006G>C (p.Ser669Thr)

Gene: PMS2 (PMS1 homolog 2, mismatch repair system component; minus strand). Cytogenetic location: 7p22.1.
Variant type: single nucleotide variant.
Coding change: c.2006G>C on transcript NM_000535.7 (MANE Select); coding-DNA position 2006, G replaced by C.
Protein change: p.Ser669Thr; replaces serine 669 with threonine.
Molecular consequence: missense variant. On other transcripts: non-coding transcript variant (1).
Genome position (GRCh38, 1-based): chr7:5,986,759, C>G on the plus strand (G>C on the coding strand, the complement: PMS2 is on the minus strand). VCF-style: chr7-5986759-C-G. GRCh37 (hg19) VCF-style: chr7-6026390-C-G.
Other names: c.1601G>C, p.Ser534Thr (NM_001322003.2, NM_001322004.2, NM_001322005.2 and 1 more transcripts); c.1850G>C, p.Ser617Thr (NM_001322006.2); c.1688G>C, p.Ser563Thr (NM_001322007.2, NM_001322008.2); c.1445G>C, p.Ser482Thr (NM_001322010.2); c.1073G>C, p.Ser358Thr (NM_001322011.2, NM_001322012.2); c.1433G>C, p.Ser478Thr (NM_001322013.2); c.2006G>C, p.Ser669Thr (NM_001322014.2); c.1697G>C, p.Ser566Thr (NM_001322015.2); short protein forms S358T, S534T, S478T, S617T, S669T, S482T, S566T, S563T.
Identifiers: ClinVar variation 946606 (VCV000946606.9), dbSNP rs1417552718, ClinGen allele CA366738842.